The following is an entry in ClinVar:

ClinVar aggregate classification (germline): Uncertain significance (1 of 4 stars; one submission).

Allele frequency attached by ClinVar (database versions not stated): gnomAD 0.00001; TOPMed 0.00002.
gnomAD v4.1: 7 of 1,613,978 alleles (0.00043%); highest among the groups gnomAD compares: Non-Finnish European, 0.00059%; no homozygotes.

Submission:

Labcorp Genetics (formerly Invitae), Labcorp
Classification: Uncertain significance. Last evaluated: 2025-07-10. Review status: criteria provided, single submitter. Criteria: Invitae Variant Classification Sherloc (09022015). Collection method: clinical testing. Allele origin: germline.
Comment: This sequence change replaces valine, which is neutral and non-polar, with isoleucine, which is neutral and non-polar, at codon 4653 of the USH2A protein (p.Val4653Ile). This variant is present in population databases (no rsID available, gnomAD 0.002%). This variant has not been reported in the literature in individuals affected with USH2A-related conditions. ClinVar contains an entry for this variant (Variation ID: 2201824). Invitae Evidence Modeling of protein sequence and biophysical properties (such as structural, functional, and spatial information, amino acid conservation, physicochemical variation, residue mobility, and thermodynamic stability) indicates that this missense variant is not expected to disrupt USH2A protein function with a negative predictive value of 95%. In summary, the available evidence is currently insufficient to determine the role of this variant in disease. Therefore, it has been classified as a Variant of Uncertain Significance.

NM_206933.4(USH2A):c.13957G>A (p.Val4653Ile)

Gene: USH2A (usherin; minus strand). Cytogenetic location: 1q41.
Variant type: single nucleotide variant.
Coding change: c.13957G>A on transcript NM_206933.4 (MANE Select); coding-DNA position 13957, G replaced by A.
Protein change: p.Val4653Ile; replaces valine 4653 with isoleucine.
Molecular consequence: missense variant.
Genome position (GRCh38, 1-based): chr1:215,671,148, C>T on the plus strand (G>A on the coding strand, the complement: USH2A is on the minus strand). VCF-style: chr1-215671148-C-T. GRCh37 (hg19) VCF-style: chr1-215844490-C-T.
Other names: short protein forms V4653I.
Identifiers: ClinVar variation 2201824 (VCV002201824.2), dbSNP rs1266399399, ClinGen allele CA344841041.